The following is an entry in ClinVar:

NM_006892.4(DNMT3B):c.1718G>A (p.Arg573Gln)

Genes: DNMT3B (DNA methyltransferase 3 beta; plus strand), LOC126863014 (CDK7 strongly-dependent group 2 enhancer GRCh37_chr20:31385992-31387191; plus strand). Cytogenetic location: 20q11.21.
Variant type: single nucleotide variant.
Coding change: c.1718G>A on transcript NM_006892.4 (MANE Select); coding-DNA position 1718, G replaced by A.
Protein change: p.Arg573Gln; replaces arginine 573 with glutamine.
Molecular consequence: missense variant.
Genome position (GRCh38, 1-based): chr20:32,799,287, G>A. VCF-style: chr20-32799287-G-A. GRCh37 (hg19) VCF-style: chr20-31387093-G-A.
Other names: c.1532G>A, p.Arg511Gln (NM_001207055.2); c.1430G>A, p.Arg477Gln (NM_001207056.2); c.1658G>A, p.Arg553Gln (NM_175848.2, NM_175849.2); c.1694G>A, p.Arg565Gln (NM_175850.3); short protein forms R477Q, R511Q, R553Q, R565Q, R573Q.
Identifiers: ClinVar variation 1061518 (VCV001061518.4), dbSNP rs143300013, ClinGen allele CA9810682.

ClinVar aggregate classification (germline): Uncertain significance (1 of 4 stars; one submission).

Conditions:
Centromeric instability of chromosomes 1,9 and 16 and immunodeficiency (ICF1). Also called: Immunodeficiency-centromeric instability-facial anomalies; IMMUNE DEFICIENCY, VARIABLE, WITH CENTROMERIC INSTABILITY OF CHROMOSOMES 1, 9, AND 16; IMMUNODEFICIENCY SYNDROME, VARIABLE; CENTROMERIC INSTABILITY, IMMUNODEFICIENCY SYNDROME. Identifiers: Orphanet 2268, MedGen C0398788, MONDO:0000133.

Allele frequency attached by ClinVar (database versions not stated): gnomAD 0.00003 and 0.00004; gnomAD exomes 0.00003 and 0.00004; TOPMed 0.00003; ExAC 0.00004; ESP Exome Variant Server 0.00008.
gnomAD v4.1: 43 of 1,613,408 alleles (0.0027%); highest among the groups gnomAD compares: Middle Eastern, 0.016%; no homozygotes.

Submission:

Labcorp Genetics (formerly Invitae), Labcorp
Classification: Uncertain significance for Centromeric instability of chromosomes 1,9 and 16 and immunodeficiency. Last evaluated: 2022-08-23. Review status: criteria provided, single submitter. Criteria: Invitae Variant Classification Sherloc (09022015). Collection method: clinical testing. Allele origin: germline.
Comment: This sequence change replaces arginine, which is basic and polar, with glutamine, which is neutral and polar, at codon 573 of the DNMT3B protein (p.Arg573Gln). This variant is present in population databases (rs143300013, gnomAD 0.01%). This variant has not been reported in the literature in individuals affected with DNMT3B-related conditions. ClinVar contains an entry for this variant (Variation ID: 1061518). Algorithms developed to predict the effect of missense changes on protein structure and function output the following: SIFT: "Deleterious"; PolyPhen-2: "Probably Damaging"; Align-GVGD: "Class C35". The glutamine amino acid residue is found in multiple mammalian species, which suggests that this missense change does not adversely affect protein function. In summary, the available evidence is currently insufficient to determine the role of this variant in disease. Therefore, it has been classified as a Variant of Uncertain Significance.